The following is an entry in ClinVar:

NM_025114.4(CEP290):c.1550del (p.Asp516_Leu517insTer)

Gene: CEP290 (centrosomal protein 290; minus strand). Cytogenetic location: 12q21.32.
Variant type: Deletion.
Coding change: c.1550del on transcript NM_025114.4 (MANE Select); coding-DNA position 1550, one base deleted (T; older notation c.1550delT).
Protein change: p.Asp516_Leu517insTer.
Molecular consequence: nonsense.
Genome position (GRCh38, 1-based): chr12:88,118,716, A deleted on the plus strand (T on the coding strand, the reverse complement: CEP290 is on the minus strand); the first of 3 consecutive A bases (chr12:88,118,716-88,118,718); deleting any one gives the same sequence. VCF-style (leftmost placement, unchanged base first): chr12-88118715-TA-T. GRCh37 (hg19) VCF-style: chr12-88512492-TA-T.
Other names: c.1550delT (NM_025114.3).
Identifiers: ClinVar variation 99845 (VCV000099845.2), dbSNP rs62640579, ClinGen allele CA227959.
Genomic context (GRCh38, chr12:88,118,715, plus strand): 5'-AATCTGGTTTTCAGCTCTGTACTGCTGCTGTTTTAAGTGTTTGCTATTTCTAAATTCAGT[TA>T]AATCAATCATTGTCTTTGGTTCAAGGCCTACAATAGAAAGCAATATAATTAAAAACTTAA-3'

ClinVar aggregate classification (germline): Pathogenic. Review status: criteria provided, single submitter (1 of 4 stars). 2 submissions from 2 submitters: Pathogenic (1). 1 of the submissions does not count toward it. Last evaluated 2025-08-22.

Conditions:
CEP290-related ciliopathy. Also called: CEP290 ciliopathy. Identifiers: MedGen CN305601, MONDO:0100451.

Submissions (2):

Myriad Genetics, Inc.
Classification: Pathogenic for CEP290-related ciliopathy. Last evaluated: 2025-08-22. Review status: criteria provided, single submitter. Criteria: Myriad Autosomal Dominant, Autosomal Recessive and X-Linked Classification Criteria (2023). Collection method: clinical testing. Allele origin: unknown.
Comment: NM_025114.3(CEP290):c.1550delT(L517*) is a nonsense variant classified as pathogenic in the context of CEP290-related disorders. L517* has been observed in a case with relevant disease (PMID: 16909394). Relevant functional assessments of this variant are not available in the literature. L517* has not been observed in referenced population frequency databases. In summary, NM_025114.3(CEP290):c.1550delT(L517*) is a nonsense variant in a gene where loss of function is a known mechanism of disease, is predicted to disrupt protein function, and has been observed more frequently in cases with the relevant disease than in healthy populations. Please note: this variant was assessed in the context of healthy population screening.

Retina International
No classification provided. Review status: no classification provided. Collection method: not provided. Allele origin: not provided. Not counted in ClinVar's aggregate classification.

Literature cited by the submitters: PubMed 16909394 (cited by Myriad Genetics, Inc.).